The following is an entry in ClinVar:

NM_000540.3(RYR1):c.4206G>A (p.Pro1402=)

Gene: RYR1 (ryanodine receptor 1; plus strand). Cytogenetic location: 19q13.2.
Variant type: single nucleotide variant.
Coding change: c.4206G>A on transcript NM_000540.3 (MANE Select); coding-DNA position 4206, G replaced by A.
Protein change: p.Pro1402=; no amino-acid change (proline 1402 retained).
Molecular consequence: synonymous variant.
Genome position (GRCh38, 1-based): chr19:38,475,363, G>A. VCF-style: chr19-38475363-G-A. GRCh37 (hg19) VCF-style: chr19-38966003-G-A.
Other names: c.4206G>A, p.Pro1402= (NM_001042723.2).
Identifiers: ClinVar variation 2149661 (VCV002149661.5), dbSNP rs753610140, ClinGen allele CA065658.

ClinVar aggregate classification (germline): Likely benign. Review status: criteria provided, multiple submitters, no conflicts (2 of 4 stars). 2 submissions from 2 submitters: Likely benign (2). Last evaluated 2024-04-16.

Conditions:
Malignant hyperthermia, susceptibility to, 1 (MHS1). Also called: Anesthesia related hyperthermia; Malignant hyperpyrexia; Fulminating hyperpyrexia; Pharmacogenic myopathy; RYR1-Related Malignant Hyperthermia Susceptibility; Malignant hyperthermia suceptibility 1. Identifiers: Orphanet 423, MedGen C2930980, MONDO:0007783, OMIM 145600.
RYR1-related disorder. Also called: RYR1-related disorders; RYR1-related condition. Identifiers: MedGen CN239331.

Allele frequency attached by ClinVar (database versions not stated): ExAC 0.00001; gnomAD exomes 0.00001.
gnomAD v4.1: 8 of 1,611,690 alleles (0.0005%); highest among the groups gnomAD compares: Middle Eastern, 0.017%; no homozygotes.

Submissions (2):

Labcorp Genetics (formerly Invitae), Labcorp
Classification: Likely benign for RYR1-related disorder. Last evaluated: 2024-04-16. Review status: criteria provided, single submitter. Criteria: Invitae Variant Classification Sherloc (09022015). Collection method: clinical testing. Allele origin: germline.

All of Us Research Program, National Institutes of Health
Classification: Likely benign for Malignant hyperthermia, susceptibility to, 1. Last evaluated: 2023-05-16. Review status: criteria provided, single submitter. Criteria: ACMG Guidelines, 2015. Collection method: clinical testing. Allele origin: germline. Inheritance: Autosomal dominant inheritance. Observed: 1 variant allele, 1 heterozygote.
Comment: This study involves interpretation of variants in research participants for the purpose of population health screening. Participant phenotype was not available at the time of variant classification. Additional details can be found in publication PMID: 35346344, PMCID: PMC8962531